The following is an entry in ClinVar:

ClinVar aggregate classification (germline): Pathogenic. Review status: criteria provided, multiple submitters, no conflicts (2 of 4 stars). 5 submissions from 5 submitters: Pathogenic (5). Last evaluated 2025-06-11.

Conditions:
Hereditary cancer-predisposing syndrome. Also called: Hereditary Cancer Syndrome; Neoplastic Syndromes, Hereditary; Tumor predisposition; Hereditary neoplastic syndrome. Identifiers: Orphanet 140162, MedGen C0027672, MeSH D009386, MONDO:0015356.
BAP1-related tumor predisposition syndrome (TPDS1). Also called: Tumor susceptibility linked to germline BAP1 mutations; BAP1 tumor predisposition syndrome; COMMON Syndrome; TUMOR PREDISPOSITION SYNDROME 1. Identifiers: Orphanet 289539, MedGen C3280492, MONDO:0013692, OMIM 614327.
Kury-Isidor syndrome (KURIS). Identifiers: MedGen C5676925, MONDO:0859230, OMIM 619762.
Melanoma, uveal, susceptibility to, 2 (UVM2). Also called: Melanoma, uveal 2. Identifiers: Orphanet 39044, MedGen C1847723, MONDO:0011696, OMIM 606661.

Submissions (5):

Labcorp Genetics (formerly Invitae), Labcorp
Classification: Pathogenic for BAP1-related tumor predisposition syndrome. Last evaluated: 2025-06-11. Review status: criteria provided, single submitter. Criteria: Invitae Variant Classification Sherloc (09022015). Collection method: clinical testing. Allele origin: germline.
Comment: This sequence change creates a premature translational stop signal (p.Gln392*) in the BAP1 gene. It is expected to result in an absent or disrupted protein product. Loss-of-function variants in BAP1 are known to be pathogenic (PMID: 21874000, 23684012). This variant is not present in population databases (gnomAD no frequency). This premature translational stop signal has been observed in individual(s) with BAP1-related cancer (PMID: 30517737). ClinVar contains an entry for this variant (Variation ID: 490777). For these reasons, this variant has been classified as Pathogenic.

Fulgent Genetics
Classification: Pathogenic for Melanoma, uveal, susceptibility to, 2; BAP1-related tumor predisposition syndrome; Kury-Isidor syndrome. Last evaluated: 2024-06-08. Review status: criteria provided, single submitter. Criteria: ACMG Guidelines, 2015. Collection method: clinical testing. Allele origin: germline.

Baylor Genetics
Classification: Pathogenic for BAP1-related tumor predisposition syndrome. Last evaluated: 2024-03-19. Review status: criteria provided, single submitter. Criteria: ACMG Guidelines, 2015. Collection method: clinical testing. Allele origin: unknown.

Ambry Genetics
Classification: Pathogenic for Hereditary cancer-predisposing syndrome. Last evaluated: 2022-08-26. Review status: criteria provided, single submitter. Criteria: Ambry Variant Classification Scheme 2023. Collection method: clinical testing. Allele origin: germline.
Comment: The p.Q392* pathogenic mutation (also known as c.1174C>T), located in coding exon 12 of the BAP1 gene, results from a C to T substitution at nucleotide position 1174. This changes the amino acid from a glutamine to a stop codon within coding exon 12. This alteration was identified in multiple individuals with a personal and/or family history of BAP1-related disease (Walpole S et al. J Natl Cancer Inst, 2018 12;110:1328-1341). This variant is considered to be rare based on population cohorts in the Genome Aggregation Database (gnomAD). In addition to the clinical data presented in the literature, this alteration is expected to result in loss of function by premature protein truncation or nonsense-mediated mRNA decay. As such, this alteration is interpreted as a disease-causing mutation.

Color Diagnostics, LLC DBA Color Health
Classification: Pathogenic for Hereditary cancer-predisposing syndrome. Last evaluated: 2020-02-05. Review status: criteria provided, single submitter. Criteria: ACMG Guidelines, 2015. Collection method: clinical testing. Allele origin: germline.
Comment: This variant changes 1 nucleotide in exon 12 of the BAP1 gene, creating a premature translation stop signal. This variant is expected to result in an absent or non-functional protein product. Splice site prediction tools suggest that this variant may not impact RNA splicing. To our knowledge, functional studies have not been performed for this variant. This variant has been reported in an individual affected with rhabdoid meningioma (PMID: 29981911). This variant has not been identified in the general population by the Genome Aggregation Database (gnomAD). Loss of BAP1 function is a known mechanism of disease. Based on the available evidence, this variant is classified as Pathogenic.

Literature cited by the submitters: PubMed 21874000 (cited by Labcorp Genetics (formerly Invitae), Labcorp); PubMed 23684012 (cited by Labcorp Genetics (formerly Invitae), Labcorp); PubMed 30517737 (cited by Labcorp Genetics (formerly Invitae), Labcorp and Ambry Genetics).

NM_004656.4(BAP1):c.1174C>T (p.Gln392Ter)

Gene: BAP1 (BRCA1 associated deubiquitinase 1; minus strand). Cytogenetic location: 3p21.1.
Variant type: single nucleotide variant.
Coding change: c.1174C>T on transcript NM_004656.4 (MANE Select); coding-DNA position 1174, C replaced by T.
Protein change: p.Gln392Ter; replaces glutamine 392 with a stop codon.
Molecular consequence: nonsense.
Genome position (GRCh38, 1-based): chr3:52,404,529, G>A on the plus strand (C>T on the coding strand, the complement: BAP1 is on the minus strand). VCF-style: chr3-52404529-G-A. GRCh37 (hg19) VCF-style: chr3-52438545-G-A.
Other names: short protein forms Q392*.
Identifiers: ClinVar variation 490777 (VCV000490777.11), dbSNP rs1553645146, ClinGen allele CA353103210.
Genomic context (GRCh38, chr3:52,404,529, plus strand): 5'-TGTTCTGCACGTCATCCTCCTCGTCATCCTCATAGTCATCCTCATCATCTGAGTACTGCT[G>A]GGGTGGGCGGACTGGAACTCGGCTGCGGCCCACACCTGCCGCCAGGTCTTCTTCCTCCTG-3'